The following is an entry in ClinVar:

NM_016013.4(NDUFAF1):c.259A>G (p.Arg87Gly)

Gene: NDUFAF1 (NADH:ubiquinone oxidoreductase complex assembly factor 1; minus strand). Cytogenetic location: 15q15.1.
Variant type: single nucleotide variant.
Coding change: c.259A>G on transcript NM_016013.4 (MANE Select); coding-DNA position 259, A replaced by G.
Protein change: p.Arg87Gly; replaces arginine 87 with glycine.
Molecular consequence: missense variant. On other transcripts: non-coding transcript variant (1).
Genome position (GRCh38, 1-based): chr15:41,396,801, T>C on the plus strand (A>G on the coding strand, the complement: NDUFAF1 is on the minus strand). VCF-style: chr15-41396801-T-C. GRCh37 (hg19) VCF-style: chr15-41688999-T-C.
Other names: short protein forms R87G.
Identifiers: ClinVar variation 1701002 (VCV001701002.4), dbSNP rs149991858, ClinGen allele CA7491369.

ClinVar aggregate classification (germline): Uncertain significance. Review status: criteria provided, multiple submitters, no conflicts (2 of 4 stars). 3 submissions from 3 submitters: Uncertain significance (3). Last evaluated 2026-01-27.

Conditions:
Mitochondrial complex I deficiency, nuclear type 11. Also called: Mitochondrial complex 1 deficiency, nuclear type 11. Identifiers: MedGen C4748769, MONDO:0032617, OMIM 618234.

Allele frequency attached by ClinVar (database versions not stated): gnomAD exomes 0.00002 and 0.00004; ExAC 0.00004; ESP Exome Variant Server 0.00015; TOPMed 0.00016; gnomAD 0.00017 and 0.00018.
gnomAD v4.1: 51 of 1,614,080 alleles (0.0032%); highest among the groups gnomAD compares: African/African-American, 0.064%; no homozygotes.

Submissions (3):

Labcorp Genetics (formerly Invitae), Labcorp
Classification: Uncertain significance. Last evaluated: 2026-01-27. Review status: criteria provided, single submitter. Criteria: Invitae Variant Classification Sherloc (09022015). Collection method: clinical testing. Allele origin: germline.
Comment: This sequence change replaces arginine, which is basic and polar, with glycine, which is neutral and non-polar, at codon 87 of the NDUFAF1 protein (p.Arg87Gly). This variant is present in population databases (rs149991858, gnomAD 0.06%), and has an allele count higher than expected for a pathogenic variant. This variant has not been reported in the literature in individuals affected with NDUFAF1-related conditions. ClinVar contains an entry for this variant (Variation ID: 1701002). An algorithm developed to predict the effect of missense changes on protein structure and function (PolyPhen-2) suggests that this variant is likely to be tolerated. In summary, the available evidence is currently insufficient to determine the role of this variant in disease. Therefore, it has been classified as a Variant of Uncertain Significance.

Fulgent Genetics
Classification: Uncertain significance for Mitochondrial complex I deficiency, nuclear type 11. Last evaluated: 2024-01-09. Review status: criteria provided, single submitter. Criteria: ACMG Guidelines, 2015. Collection method: clinical testing. Allele origin: germline.

GeneDx
Classification: Uncertain significance. Last evaluated: 2022-02-09. Review status: criteria provided, single submitter. Criteria: GeneDx Variant Classification Process June 2021. Collection method: clinical testing. Allele origin: germline. Affected: yes.
Comment: In silico analysis supports that this missense variant has a deleterious effect on protein structure/function; Has not been previously published as pathogenic or benign to our knowledge